The following is an entry in ClinVar:

ClinVar aggregate classification (germline): Pathogenic (1 of 4 stars; one submission).

Submission:

GeneDx
Classification: Pathogenic. Last evaluated: 2015-12-23. Review status: criteria provided, single submitter. Criteria: GeneDx Variant Classification (06012015). Collection method: clinical testing. Allele origin: germline. Affected: yes.
Comment: The c.1702+1G>A pathogenic variant in the KIF11 gene has not been reported previously as a pathogenic variant nor as a benign variant, to our knowledge. This splice site variant destroys the canonical splice donor site in intron 13. It is predicted to cause abnormal gene splicing, either leading to an abnormal message that is subject to nonsense-mediated mRNA decay, or to an abnormal protein product if the message is used for protein translation. The c.1702+1G>A variant was not observed in approximately 6500 individuals of European and African American ancestry in the NHLBI Exome Sequencing Project, indicating it is not a common benign variant in these populations. Protein truncating pathogenic variants downstream of this variant have been reported in the Human Gene Mutation Database in association with KIF11-related disorders (Stenson et al., 2014), supporting the pathogenicity of more upstream truncating variants. We interpret c.1702+1G>A as a pathogenic variant.

NM_004523.4(KIF11):c.1702+1G>A

Gene: KIF11 (kinesin family member 11; plus strand). Cytogenetic location: 10q23.33.
Variant type: single nucleotide variant.
Coding change: c.1702+1G>A on transcript NM_004523.4 (MANE Select); the canonical splice donor site of the intron after coding-DNA position 1702, G replaced by A.
Molecular consequence: splice donor variant.
Genome position (GRCh38, 1-based): chr10:92,632,694, G>A. VCF-style: chr10-92632694-G-A. GRCh37 (hg19) VCF-style: chr10-94392451-G-A.
Identifiers: ClinVar variation 280215 (VCV000280215.2), dbSNP rs886041462, ClinGen allele CA10603174.